The following is an entry in ClinVar:

NM_000518.5(HBB):c.93-33_101del

Genes: HBB (hemoglobin subunit beta; minus strand), LOC106099062 (HBB recombination region; plus strand), LOC107133510 (origin of replication at HBB; plus strand). Cytogenetic location: 11p15.4.
Variant type: Deletion.
Coding change: c.93-33_101del on transcript NM_000518.5 (MANE Select); 33 bases into the intron before coding-DNA position 93 through coding-DNA position 101, 42 bases deleted.
Molecular consequence: splice acceptor variant.
Genome position (GRCh38, 1-based): chr11:5,226,791-5,226,832, 42 bases deleted. GRCh37 (hg19): chr11:5,248,021-5,248,062.
Identifiers: ClinVar variation 2044665 (VCV002044665.4), dbSNP rs2494296171, ClinGen allele CA2580084012.

ClinVar aggregate classification (germline): Likely pathogenic (1 of 4 stars; one submission).

Submission:

Labcorp Genetics (formerly Invitae), Labcorp
Classification: Likely pathogenic. Last evaluated: 2021-12-17. Review status: criteria provided, single submitter. Criteria: Invitae Variant Classification Sherloc (09022015). Collection method: clinical testing. Allele origin: germline.
Comment: This variant results in the deletion of part of exon 2 of the HBB gene. It is expected to disrupt RNA splicing. Variants that disrupt the donor or acceptor splice site typically lead to a loss of protein function (PMID: 16199547), and loss-of-function variants in HBB are known to be pathogenic (PMID: 23637309). This variant is not present in population databases (gnomAD no frequency). This variant has not been reported in the literature in individuals affected with HBB-related conditions. Algorithms developed to predict the effect of sequence changes on RNA splicing suggest that this variant may disrupt the consensus splice site. In summary, the currently available evidence indicates that the variant is pathogenic, but additional data are needed to prove that conclusively. Therefore, this variant has been classified as Likely Pathogenic.

Literature cited by the submitters: PubMed 16199547; PubMed 23637309.